The following is an entry in ClinVar:

NM_000071.3(CBS):c.736+6T>C

Gene: CBS (cystathionine beta-synthase; minus strand). Cytogenetic location: 21q22.3.
Variant type: single nucleotide variant.
Coding change: c.736+6T>C on transcript NM_000071.3 (MANE Select); 6 bases into the intron after coding-DNA position 736, T replaced by C.
Molecular consequence: intron variant.
Genome position (GRCh38, 1-based): chr21:43,065,197, A>G on the plus strand (T>C on the coding strand, the complement: CBS is on the minus strand). VCF-style: chr21-43065197-A-G. GRCh37 (hg19) VCF-style: chr21-44485307-A-G.
Other names: c.736+6T>C (NM_001320298.2, NM_001178009.3, NM_001178008.3); c.421+6T>C (NM_001321072.1).
Identifiers: ClinVar variation 1417256 (VCV001417256.3), dbSNP rs201727754, ClinGen allele CA321095346.

ClinVar aggregate classification (germline): Uncertain significance (1 of 4 stars; one submission).

Conditions:
HYPERHOMOCYSTEINEMIA, THROMBOTIC, CBS-RELATED. Identifiers: MedGen C3150344, OMIM 236200.

Allele frequency attached by ClinVar (database versions not stated): gnomAD exomes 0.00001; 1000 Genomes Project 30x 0.00031; ExAC 0.00002; 1000 Genomes Project 0.00020.

Submission:

Labcorp Genetics (formerly Invitae), Labcorp
Classification: Uncertain significance for HYPERHOMOCYSTEINEMIA, THROMBOTIC, CBS-RELATED. Last evaluated: 2021-10-10. Review status: criteria provided, single submitter. Criteria: Invitae Variant Classification Sherloc (09022015). Collection method: clinical testing. Allele origin: germline.
Comment: This sequence change falls in intron 8 of the CBS gene. It does not directly change the encoded amino acid sequence of the CBS protein. It affects a nucleotide within the consensus splice site. This variant is present in population databases (rs201727754, ExAC 0.02%). This variant has not been reported in the literature in individuals affected with CBS-related conditions. Variants that disrupt the consensus splice site are a relatively common cause of aberrant splicing (PMID: 17576681, 9536098). Algorithms developed to predict the effect of sequence changes on RNA splicing suggest that this variant may disrupt the consensus splice site. In summary, the available evidence is currently insufficient to determine the role of this variant in disease. Therefore, it has been classified as a Variant of Uncertain Significance.

Literature cited by the submitters: PubMed 17576681; PubMed 9536098.